The following is an entry in ClinVar:

ClinVar aggregate classification (germline): Pathogenic. Review status: criteria provided, single submitter (1 of 4 stars). 2 submissions from 2 submitters: Pathogenic (1). 1 of the submissions does not count toward it. Last evaluated 2022-06-23.

Conditions:
X-linked agammaglobulinemia with growth hormone deficiency (IGHD3). Also called: FLEISHER SYNDROME; HYPOGAMMAGLOBULINEMIA AND ISOLATED GROWTH HORMONE DEFICIENCY, X-LINKED; IGHD III; ISOLATED GROWTH HORMONE DEFICIENCY, TYPE III, WITH AGAMMAGLOBULINEMIA; AGAMMAGLOBULINEMIA AND ISOLATED GROWTH HORMONE DEFICIENCY, X-LINKED; Isolated growth hormone deficiency type 3. Identifiers: Orphanet 231692, Orphanet 631, MedGen C0472813, MONDO:0010615, OMIM 307200.
X-linked agammaglobulinemia (XLA). Also called: Agammaglobulinemia, Bruton tyrosine kinase; Agammaglobulinemia, BTK; BTK-deficiency; IMMUNODEFICIENCY 1; Bruton's agammaglobulinemia; AGAMMAGLOBULINEMIA, X-LINKED, TYPE 1. Identifiers: Orphanet 229717, Orphanet 47, MedGen C0221026, MONDO:0010421, OMIM 300755.

Submissions (2):

Labcorp Genetics (formerly Invitae), Labcorp
Classification: Pathogenic for X-linked agammaglobulinemia with growth hormone deficiency. Last evaluated: 2022-06-23. Review status: criteria provided, single submitter. Criteria: Invitae Variant Classification Sherloc (09022015). Collection method: clinical testing. Allele origin: germline.
Comment: This sequence change creates a premature translational stop signal (p.Tyr392*) in the BTK gene. It is expected to result in an absent or disrupted protein product. Loss-of-function variants in BTK are known to be pathogenic (PMID: 15661032, 16862044, 19419768). For these reasons, this variant has been classified as Pathogenic. This variant is also known as c.1308C>A. This premature translational stop signal has been observed in individual(s) with X-linked agammaglobulinemia (PMID: 11555397). This variant is not present in population databases (gnomAD no frequency).

Institute of Medical Genetics and Genomics, Sir Ganga Ram Hospital
Classification: Pathogenic for X-linked agammaglobulinemia. Last evaluated: 2022-05-10. Review status: no assertion criteria provided. Collection method: clinical testing. Allele origin: germline. Inheritance: X-linked recessive inheritance. Affected: yes. Observed: 1 hemizygote. Not counted in ClinVar's aggregate classification.
Comment: The novel variant c.1176C>A (p.Tyr392Ter) has not been observed in gnomAD and 1000g. In-silico bioinformatic software predict this variant by mutation taster as Disease causing. Based on the phenotypic observation we classify this variant as pathogenic variant.

Literature cited by the submitters: PubMed 15661032 (cited by Labcorp Genetics (formerly Invitae), Labcorp); PubMed 16862044 (cited by Labcorp Genetics (formerly Invitae), Labcorp); PubMed 19419768 (cited by Labcorp Genetics (formerly Invitae), Labcorp); PubMed 11555397 (cited by Labcorp Genetics (formerly Invitae), Labcorp).

NM_000061.3(BTK):c.1176C>A (p.Tyr392Ter)

Gene: BTK (Bruton tyrosine kinase; minus strand). Cytogenetic location: Xq22.1.
Variant type: single nucleotide variant.
Coding change: c.1176C>A on transcript NM_000061.3 (MANE Select); coding-DNA position 1176, C replaced by A.
Protein change: p.Tyr392Ter; replaces tyrosine 392 with a stop codon.
Molecular consequence: nonsense. On other transcripts: intron variant (1).
Genome position (GRCh38, 1-based): chrX:101,357,510, G>T on the plus strand (C>A on the coding strand, the complement: BTK is on the minus strand). VCF-style: chrX-101357510-G-T. GRCh37 (hg19) VCF-style: chrX-100612498-G-T.
Other names: c.1278C>A, p.Tyr426Ter (NM_001287344.2); c.1038+864C>A (NM_001287345.2); short protein forms Y392*, Y426*.
Identifiers: ClinVar variation 1683488 (VCV001683488.8), dbSNP rs782429199, ClinGen allele CA413925959.